The following is an entry in ClinVar:

ClinVar aggregate classification (germline): Uncertain significance. Review status: criteria provided, multiple submitters, no conflicts (2 of 4 stars). 3 submissions from 3 submitters: Uncertain significance (3). Last evaluated 2024-10-03.

Conditions:
Inborn genetic diseases. Identifiers: MedGen C0950123, MeSH D030342.

Allele frequency attached by ClinVar (database versions not stated): gnomAD 0.00003; TOPMed 0.00003; ExAC 0.00007; ESP Exome Variant Server 0.00008.
gnomAD v4.1: 83 of 1,613,824 alleles (0.0051%); highest among the groups gnomAD compares: South Asian, 0.022%; 2 homozygotes.

Submissions (3):

Blueprint Genetics
Classification: Uncertain significance. Last evaluated: 2024-10-03. Review status: criteria provided, single submitter. Criteria: ACMG Guidelines, 2015. Collection method: clinical testing. Allele origin: germline.

Ambry Genetics
Classification: Uncertain significance for Inborn genetic diseases. Last evaluated: 2023-05-24. Review status: criteria provided, single submitter. Criteria: Ambry Variant Classification Scheme 2023. Collection method: clinical testing. Allele origin: germline.

Labcorp Genetics (formerly Invitae), Labcorp
Classification: Uncertain significance. Last evaluated: 2022-07-13. Review status: criteria provided, single submitter. Criteria: Invitae Variant Classification Sherloc (09022015). Collection method: clinical testing. Allele origin: germline.
Comment: This sequence change replaces glutamine, which is neutral and polar, with leucine, which is neutral and non-polar, at codon 839 of the MTTP protein (p.Gln839Leu). This variant is present in population databases (rs370156802, gnomAD 0.02%). This variant has not been reported in the literature in individuals affected with MTTP-related conditions. Algorithms developed to predict the effect of missense changes on protein structure and function are either unavailable or do not agree on the potential impact of this missense change (SIFT: "Deleterious"; PolyPhen-2: "Benign"; Align-GVGD: "Class C0"). In summary, the available evidence is currently insufficient to determine the role of this variant in disease. Therefore, it has been classified as a Variant of Uncertain Significance.

NM_001386140.1(MTTP):c.2516A>T (p.Gln839Leu)

Gene: MTTP (microsomal triglyceride transfer protein; plus strand). Cytogenetic location: 4q23.
Variant type: single nucleotide variant.
Coding change: c.2516A>T on transcript NM_001386140.1 (MANE Select); coding-DNA position 2516, A replaced by T.
Protein change: p.Gln839Leu; replaces glutamine 839 with leucine.
Molecular consequence: missense variant.
Genome position (GRCh38, 1-based): chr4:99,622,679, A>T. VCF-style: chr4-99622679-A-T. GRCh37 (hg19) VCF-style: chr4-100543836-A-T.
Other names: c.2516A>T (NM_000253.2); c.2516A>T, p.Gln839Leu (NM_000253.4); c.2267A>T, p.Gln756Leu (NM_001300785.2); short protein forms Q839L, Q756L.
Identifiers: ClinVar variation 2139663 (VCV002139663.4), dbSNP rs370156802, ClinGen allele CA3022396.